The following is an entry in ClinVar:

ClinVar aggregate classification (germline): Uncertain significance. Review status: criteria provided, multiple submitters, no conflicts (2 of 4 stars). 2 submissions from 2 submitters: Uncertain significance (2). Last evaluated 2024-07-01.

Conditions:
Neuroblastoma, susceptibility to, 3. Also called: ALK-Related Neuroblastic Tumor Susceptibility. Identifiers: Orphanet 635, MedGen C2751681, MONDO:0013083, OMIM 613014.
Hereditary cancer-predisposing syndrome. Also called: Neoplastic Syndromes, Hereditary; Tumor predisposition; Hereditary Cancer Syndrome; Hereditary neoplastic syndrome. Identifiers: Orphanet 140162, MedGen C0027672, MeSH D009386, MONDO:0015356.

Allele frequency attached by ClinVar (database versions not stated): gnomAD exomes below 0.00001.
gnomAD v4.1: 2 of 1,613,918 alleles (0.00012%); highest among the groups gnomAD compares: Non-Finnish European, 0.00017%; no homozygotes.

Submissions (2):

Ambry Genetics
Classification: Uncertain significance for Hereditary cancer-predisposing syndrome. Last evaluated: 2024-07-01. Review status: criteria provided, single submitter. Criteria: Ambry Variant Classification Scheme 2023. Collection method: clinical testing. Allele origin: germline.
Comment: The p.G689R variant (also known as c.2065G>C), located in coding exon 12 of the ALK gene, results from a G to C substitution at nucleotide position 2065. The glycine at codon 689 is replaced by arginine, an amino acid with dissimilar properties. This amino acid position is conserved. In addition, this alteration is predicted to be deleterious by in silico analysis. Based on the available evidence, the clinical significance of this variant remains unclear.

Illumina Laboratory Services, Illumina
Classification: Uncertain significance for Neuroblastoma, susceptibility to, 3. Last evaluated: 2018-01-12. Review status: criteria provided, single submitter. Criteria: ICSL Variant Classification Criteria 13 December 2019. Collection method: clinical testing. Allele origin: germline.

NM_004304.5(ALK):c.2065G>C (p.Gly689Arg)

Gene: ALK (ALK receptor tyrosine kinase; minus strand). Cytogenetic location: 2p23.2.
Variant type: single nucleotide variant.
Coding change: c.2065G>C on transcript NM_004304.5 (MANE Select); coding-DNA position 2065, G replaced by C.
Protein change: p.Gly689Arg; replaces glycine 689 with arginine.
Molecular consequence: missense variant.
Genome position (GRCh38, 1-based): chr2:29,251,244, C>G on the plus strand (G>C on the coding strand, the complement: ALK is on the minus strand). VCF-style: chr2-29251244-C-G. GRCh37 (hg19) VCF-style: chr2-29474110-C-G.
Other names: short protein forms G689R.
Identifiers: ClinVar variation 899326 (VCV000899326.5), dbSNP rs1664809619, ClinGen allele CA346477179.